The following is an entry in ClinVar:

NM_000551.4(VHL):c.340+705G>C

Genes: VHL (von Hippel-Lindau tumor suppressor; plus strand), LOC107303340 (3p25 von Hippel-Lindau tumor suppressor, E3 ubiquitin protein ligase Alu-mediated recombination region; plus strand). Cytogenetic location: 3p25.3.
Variant type: single nucleotide variant.
Coding change: c.340+705G>C on transcript NM_000551.4 (MANE Select); 705 bases into the intron after coding-DNA position 340, G replaced by C.
Molecular consequence: intron variant. On other transcripts: missense variant (1).
Genome position (GRCh38, 1-based): chr3:10,142,892, G>C. VCF-style: chr3-10142892-G-C. GRCh37 (hg19) VCF-style: chr3-10184576-G-C.
Other names: c.470G>C, p.Arg157Pro (NM_001354723.2); c.340+705G>C (NM_198156.3); short protein forms R157P.
Identifiers: ClinVar variation 842855 (VCV000842855.10), dbSNP rs1411141967, ClinGen allele CA916081414.

ClinVar aggregate classification (germline): Uncertain significance (1 of 4 stars; one submission).

Conditions:
Chuvash polycythemia. Also called: POLYCYTHEMIA, VHL-DEPENDENT. Identifiers: Orphanet 238557, MedGen C1837915, MONDO:0009892, OMIM 263400.
Von Hippel-Lindau syndrome (VHLS). Also called: Von Hippel-Lindau; VHL syndrome; von Hippel–Lindau syndrome. Identifiers: Orphanet 892, MedGen C0019562, MONDO:0008667, OMIM 193300. Disease mechanism: loss of function.

Submission:

Labcorp Genetics (formerly Invitae), Labcorp
Classification: Uncertain significance for Von Hippel-Lindau syndrome; Chuvash polycythemia. Last evaluated: 2025-02-06. Review status: criteria provided, single submitter. Criteria: Invitae Variant Classification Sherloc (09022015). Collection method: clinical testing. Allele origin: germline.
Comment: This sequence change falls in intron 1 of the VHL gene. It is not expected to change the encoded amino acid sequence of the VHL protein. However, this sequence change falls within a cryptic exon in the VHL gene, known as exon E1’, which is naturally expressed at low levels in several human tissues (PMID: 29891534). This variant is not present in population databases (gnomAD no frequency). This variant has not been reported in the literature in individuals affected with VHL-related conditions. ClinVar contains an entry for this variant (Variation ID: 842855). Experimental studies and prediction algorithms are not available or were not evaluated, and the functional significance of this variant is currently unknown. Algorithms developed to predict the effect of sequence changes on RNA splicing suggest that this variant is not likely to affect RNA splicing. In summary, the available evidence is currently insufficient to determine the role of this variant in disease. Therefore, it has been classified as a Variant of Uncertain Significance.

Literature cited by the submitters: PubMed 29891534.